The following is an entry in ClinVar:

ClinVar aggregate classification (germline): Pathogenic/Likely pathogenic. Review status: criteria provided, multiple submitters, no conflicts (2 of 4 stars). 3 submissions from 3 submitters: Pathogenic (1); Likely pathogenic (2). Last evaluated 2025-11-03.

Conditions:
Junctional epidermolysis bullosa. Identifiers: Orphanet 305, MedGen C0079301, MONDO:0017612.
Epithelial recurrent erosion dystrophy (ERED). Also called: CORNEAL EROSIONS, RECURRING HEREDITARY. Identifiers: Orphanet 293381, MedGen C1852551, MONDO:0007381, OMIM 122400.
Epidermolysis bullosa, junctional 4, intermediate. Also called: Epidermolysis bullosa, junctional, localisata variant; EPIDERMOLYSIS BULLOSA, JUNCTIONAL 4, NON-HERLITZ TYPE; EPIDERMOLYSIS BULLOSA, GENERALIZED ATROPHIC BENIGN. Identifiers: MedGen C2608084, MONDO:0030750, OMIM 619787.

Submissions (3):

Labcorp Genetics (formerly Invitae), Labcorp
Classification: Pathogenic. Last evaluated: 2025-11-03. Review status: criteria provided, single submitter. Criteria: Invitae Variant Classification Sherloc (09022015). Collection method: clinical testing. Allele origin: germline.
Comment: This sequence change creates a premature translational stop signal (p.Gly1274Alafs*16) in the COL17A1 gene. It is expected to result in an absent or disrupted protein product. Loss-of-function variants in COL17A1 are known to be pathogenic (PMID: 16473856, 17344927, 20301304, 21357940, 24319098). Information on the frequency of this variant in the gnomAD database is not available, as this variant may be reported differently in the database. This variant has not been reported in the literature in individuals affected with COL17A1-related conditions. For these reasons, this variant has been classified as Pathogenic.

Fulgent Genetics
Classification: Likely pathogenic for Epithelial recurrent erosion dystrophy; Epidermolysis bullosa, junctional 4, intermediate. Last evaluated: 2024-02-15. Review status: criteria provided, single submitter. Criteria: ACMG Guidelines, 2015. Collection method: clinical testing. Allele origin: germline.

Laboratory for Molecular Medicine, Mass General Brigham Personalized Medicine
Classification: Likely pathogenic for Junctional epidermolysis bullosa. Last evaluated: 2017-07-13. Review status: criteria provided, single submitter. Criteria: LMM Criteria. Collection method: clinical testing. Allele origin: germline. Inheritance: Autosomal recessive inheritance. Observed: 1 variant allele.
Comment: The p.Gly1274AlafsX16 (NM_000494.3 c.3821_3829delinsC) variant in COL17A1 has no t been previously reported in individuals with junctional epidermolysis bullosa. It has been identified in 1/94300 European chromosomes by the Genome Aggregatio n Database (referred to as p.Gly1274_Pro1276de l and p.Asp1278GlnfsTer14). This variant is predicted to cause a frameshift, whi ch alters the protein?s amino acid sequence beginning at position 1274 and leads to a premature termination codon 16 amino acids downstream. This alteration is then predicted to lead to a truncated or absent protein. Biallelic loss of funct ion of the COL17A1 gene has been associated with junctional epidermolysis bullos a. In summary, although additional studies are required to fully establish its c linical significance, the p.Gly1274AlafsX16 variant is likely pathogenic for jun ctional epidermolysis bullosa in an autosomal recessive manner based on a predic ted variant effect.

Literature cited by the submitters: PubMed 16473856 (cited by Labcorp Genetics (formerly Invitae), Labcorp); PubMed 17344927 (cited by Labcorp Genetics (formerly Invitae), Labcorp); PubMed 20301304 (cited by Labcorp Genetics (formerly Invitae), Labcorp); PubMed 21357940 (cited by Labcorp Genetics (formerly Invitae), Labcorp); PubMed 24319098 (cited by Labcorp Genetics (formerly Invitae), Labcorp).

NM_000494.4(COL17A1):c.3821_3829delinsC (p.Gly1274fs)

Gene: COL17A1 (collagen type XVII alpha 1 chain; minus strand). Cytogenetic location: 10q25.1.
Variant type: Indel.
Coding change: c.3821_3829delinsC on transcript NM_000494.4 (MANE Select); coding-DNA positions 3821 to 3829, GACCCCCTG replaced by C.
Protein change: p.Gly1274fs; shifts the reading frame from glycine 1274.
Molecular consequence: frameshift variant.
Genome position (GRCh38, 1-based): chr10:104,034,272-104,034,280, CAGGGGGTC replaced by G on the plus strand (GACCCCCTG replaced by C on the coding strand, the reverse complement: COL17A1 is on the minus strand). VCF-style: chr10-104034272-CAGGGGGTC-G. GRCh37 (hg19) VCF-style: chr10-105794030-CAGGGGGTC-G.
Other names: short protein forms G1274fs.
Identifiers: ClinVar variation 517463 (VCV000517463.8), dbSNP rs1210666598, ClinGen allele CA658797533.